The following is an entry in ClinVar:

NM_173560.4(RFX6):c.2039C>A (p.Thr680Lys)

Gene: RFX6 (regulatory factor X6; plus strand). Cytogenetic location: 6q22.1.
Variant type: single nucleotide variant.
Coding change: c.2039C>A on transcript NM_173560.4 (MANE Select); coding-DNA position 2039, C replaced by A.
Protein change: p.Thr680Lys; replaces threonine 680 with lysine.
Molecular consequence: missense variant.
Genome position (GRCh38, 1-based): chr6:116,927,180, C>A. VCF-style: chr6-116927180-C-A. GRCh37 (hg19) VCF-style: chr6-117248343-C-A.
Other names: short protein forms T680K.
Identifiers: ClinVar variation 212052 (VCV000212052.22), dbSNP rs146081967, ClinGen allele CA205267.

ClinVar aggregate classification (germline): Conflicting classifications of pathogenicity. Review status: criteria provided, conflicting classifications (1 of 4 stars). 9 submissions from 9 submitters: Uncertain significance (2); Benign (1); Likely benign (3). 3 of the submissions do not count toward it. Last evaluated 2025-10-03.

Conditions:
RFX6-related disorder. Also called: RFX6-related condition.
Monogenic diabetes. Identifiers: Orphanet 183625, MedGen C3888631, MONDO:0015967.
Hypoplastic pancreas-intestinal atresia-hypoplastic gallbalder syndrome. Also called: DIABETES, NEONATAL, WITH PANCREATIC HYPOPLASIA, INTESTINAL ATRESIA, AND GALLBLADDER APLASIA OR HYPOPLASIA; Mitchell-Riley syndrome. Identifiers: Orphanet 293864, MedGen C2748662, MONDO:0017400, OMIM 615710.

Allele frequency attached by ClinVar (database versions not stated): TOPMed 0.00097; gnomAD 0.00107 and 0.00111; ESP Exome Variant Server 0.00138.
gnomAD v4.1: 2,878 of 1,614,168 alleles (0.18%); highest among the groups gnomAD compares: Non-Finnish European, 0.23%; 8 homozygotes.

Submissions (9):

Labcorp Genetics (formerly Invitae), Labcorp
Classification: Benign. Last evaluated: 2025-10-03. Review status: criteria provided, single submitter. Criteria: Invitae Variant Classification Sherloc (09022015). Collection method: clinical testing. Allele origin: germline.

GeneDx
Classification: Uncertain significance. Last evaluated: 2025-07-31. Review status: criteria provided, single submitter. Criteria: GeneDx Variant Classification Process June 2021. Collection method: clinical testing. Allele origin: germline. Affected: yes.
Comment: Identified in siblings with diabetes, one of whom had an additional variant in a different MODY-related gene in published literature (PMID: Pokrovskaya2022[CaseReport]); In silico analysis suggests that this missense variant does not alter protein structure/function; This variant is associated with the following publications: (PMID: Pokrovskaya2022[CaseReport])

ARUP Laboratories, Molecular Genetics and Genomics, ARUP Laboratories
Classification: Likely benign for Hypoplastic pancreas-intestinal atresia-hypoplastic gallbalder syndrome. Last evaluated: 2025-07-01. Review status: criteria provided, single submitter. Criteria: ARUP Molecular Germline Variant Investigation Process 2024. Collection method: clinical testing. Allele origin: germline.

Blueprint Genetics
Classification: Likely benign. Last evaluated: 2024-11-25. Review status: criteria provided, single submitter. Criteria: ACMG Guidelines, 2015. Collection method: clinical testing. Allele origin: germline.

Personalized Diabetes Medicine Program, University of Maryland School of Medicine
Classification: Likely benign for Monogenic diabetes. Last evaluated: 2016-09-09. Review status: criteria provided, single submitter. Criteria: ACMG Guidelines, 2015. Collection method: research. Allele origin: unknown. Observed: 1 variant allele, 1 heterozygote.
Comment: ACMG Criteria: PP3, BP4, BP5

Genetic Services Laboratory, University of Chicago
Classification: Uncertain significance. Last evaluated: 2013-12-27. Review status: criteria provided, single submitter. Criteria: ACMG Guidelines, 2007. Collection method: clinical testing. Allele origin: germline.

PreventionGenetics, part of Exact Sciences
Classification: Likely benign for RFX6-related condition. Last evaluated: 2019-04-01. Review status: no assertion criteria provided. Collection method: clinical testing. Allele origin: germline. Not counted in ClinVar's aggregate classification.
Comment: This variant is classified as likely benign based on ACMG/AMP sequence variant interpretation guidelines (Richards et al. 2015 PMID: 25741868, with internal and published modifications).

Clinical Genetics DNA and cytogenetics Diagnostics Lab, Erasmus MC, Erasmus Medical Center
Classification: Likely benign. Review status: no assertion criteria provided. Collection method: clinical testing. Allele origin: germline. Affected: yes. Study: VKGL Data-share Consensus. Not counted in ClinVar's aggregate classification.

Laboratory of Diagnostic Genome Analysis, Leiden University Medical Center (LUMC)
Classification: Likely benign. Review status: no assertion criteria provided. Collection method: clinical testing. Allele origin: germline. Affected: yes. Study: VKGL Data-share Consensus. Not counted in ClinVar's aggregate classification.